The following is an entry in ClinVar:

NM_025114.4(CEP290):c.7198_7209del (p.Gln2400_Lys2403del)

Gene: CEP290 (centrosomal protein 290; minus strand). Cytogenetic location: 12q21.32.
Variant type: Deletion.
Coding change: c.7198_7209del on transcript NM_025114.4 (MANE Select); coding-DNA positions 7198 to 7209, 12 bases deleted (CAGCATTTGAAG).
Protein change: p.Gln2400_Lys2403del.
Molecular consequence: inframe deletion.
Genome position (GRCh38, 1-based): chr12:88,050,354-88,050,365, CTTCAAATGCTG deleted on the plus strand (CAGCATTTGAAG on the coding strand, the reverse complement: CEP290 is on the minus strand); deleting any 12 consecutive bases within chr12:88,050,354-88,050,368 gives the same sequence; the c. name uses the placement nearest the transcript's 3' end. VCF-style (leftmost placement, unchanged base first): chr12-88050353-CCTTCAAATGCTG-C. GRCh37 (hg19) VCF-style: chr12-88444130-CCTTCAAATGCTG-C.
Identifiers: ClinVar variation 2498047 (VCV002498047.1), dbSNP rs2499366848, ClinGen allele CA2549685780.

ClinVar aggregate classification (germline): Uncertain significance (1 of 4 stars; one submission).

Submission:

GeneDx
Classification: Uncertain significance. Last evaluated: 2022-10-06. Review status: criteria provided, single submitter. Criteria: GeneDx Variant Classification Process June 2021. Collection method: clinical testing. Allele origin: germline. Affected: yes.
Comment: Not observed at significant frequency in large population cohorts (gnomAD); In-frame deletion of 4 amino acids in a non-repeat region; In silico analysis supports that this variant does not alter protein structure/function; Has not been previously published as pathogenic or benign to our knowledge